The following is an entry in ClinVar:

NM_001258392.3(CLPB):c.844A>G (p.Met282Val)

Gene: CLPB (ClpB family mitochondrial disaggregase; minus strand). Cytogenetic location: 11q13.4.
Variant type: single nucleotide variant.
Coding change: c.844A>G on transcript NM_001258392.3 (MANE Select); coding-DNA position 844, A replaced by G.
Protein change: p.Met282Val; replaces methionine 282 with valine.
Molecular consequence: missense variant.
Genome position (GRCh38, 1-based): chr11:72,329,736, T>C on the plus strand (A>G on the coding strand, the complement: CLPB is on the minus strand). VCF-style: chr11-72329736-T-C. GRCh37 (hg19) VCF-style: chr11-72040780-T-C.
Other names: c.934A>G (NM_030813.3); c.757A>G, p.Met253Val (NM_001258393.3); c.799A>G, p.Met267Val (NM_001258394.3); c.934A>G, p.Met312Val (NM_030813.6); short protein forms M312V, M282V, M267V, M253V.
Identifiers: ClinVar variation 571670 (VCV000571670.13), dbSNP rs773028492, ClinGen allele CA6171364.

ClinVar aggregate classification (germline): Uncertain significance. Review status: criteria provided, multiple submitters, no conflicts (2 of 4 stars). 5 submissions from 5 submitters: Uncertain significance (5). Last evaluated 2026-08-03.

Conditions:
CLPB-related disorder. Also called: CLPB-related condition.
3-methylglutaconic aciduria, type VIIA. Also called: 3-METHYLGLUTACONIC ACIDURIA WITH NEUROLOGIC INVOLVEMENT AND NEUTROPENIA, AUTOSOMAL DOMINANT. Identifiers: MedGen C5676967, MONDO:0859237, OMIM 619835.
Neutropenia, severe congenital, 9, autosomal dominant. Identifiers: MedGen C5676954, MONDO:0030726, OMIM 619813.
3-methylglutaconic aciduria, type VIIB (MGCA7B). Also called: CLPB Deficiency; 3-methylglutaconic aciduria with cataracts, neurologic involvement and neutropenia; 3-methylglutaconic aciduria, type VII, with cataracts, neurologic involvement and neutropenia. Identifiers: Orphanet 445038, MedGen C5676893, MONDO:0014561, OMIM 616271.
Inborn genetic diseases. Identifiers: MedGen C0950123, MeSH D030342.

Allele frequency attached by ClinVar (database versions not stated): ExAC 0.00002; gnomAD exomes 0.00002 and 0.00003; gnomAD 0.00005 and 0.00006; TOPMed 0.00009.
gnomAD v4.1: 54 of 1,613,910 alleles (0.0033%); highest among the groups gnomAD compares: Admixed American, 0.0067%; no homozygotes.

Submissions (5):

PreventionGenetics, part of Exact Sciences
Classification: Uncertain significance for CLPB-related condition. Last evaluated: 2026-08-03. Review status: criteria provided, single submitter. Criteria: ACMG Guidelines, 2015. Collection method: clinical testing. Allele origin: germline.
Comment: The CLPB c.934A>G variant is predicted to result in the amino acid substitution p.Met312Val. To our knowledge, this variant has not been reported in the literature. This variant is reported in 0.0054% of alleles in individuals of European (non-Finnish) descent in gnomAD and is listed as uncertain in ClinVar (Variation ID: 571670). At this time, the clinical significance of this variant is uncertain due to the absence of conclusive functional and genetic evidence.

Labcorp Genetics (formerly Invitae), Labcorp
Classification: Uncertain significance for 3-methylglutaconic aciduria, type VIIB. Last evaluated: 2026-01-12. Review status: criteria provided, single submitter. Criteria: Invitae Variant Classification Sherloc (09022015). Collection method: clinical testing. Allele origin: germline.
Comment: This sequence change replaces methionine, which is neutral and non-polar, with valine, which is neutral and non-polar, at codon 312 of the CLPB protein (p.Met312Val). This variant is present in population databases (rs773028492, gnomAD 0.006%). This variant has not been reported in the literature in individuals affected with CLPB-related conditions. ClinVar contains an entry for this variant (Variation ID: 571670). An algorithm developed to predict the effect of missense changes on protein structure and function (PolyPhen-2) suggests that this variant is likely to be tolerated. In summary, the available evidence is currently insufficient to determine the role of this variant in disease. Therefore, it has been classified as a Variant of Uncertain Significance.

Ambry Genetics
Classification: Uncertain significance for Inborn genetic diseases. Last evaluated: 2024-12-14. Review status: criteria provided, single submitter. Criteria: Ambry Variant Classification Scheme 2023. Collection method: clinical testing. Allele origin: germline.

Blueprint Genetics
Classification: Uncertain significance. Last evaluated: 2024-07-14. Review status: criteria provided, single submitter. Criteria: ACMG Guidelines, 2015. Collection method: clinical testing. Allele origin: germline.

Fulgent Genetics
Classification: Uncertain significance for 3-methylglutaconic aciduria, type VIIB; Neutropenia, severe congenital, 9, autosomal dominant; 3-methylglutaconic aciduria, type VIIA. Last evaluated: 2021-08-10. Review status: criteria provided, single submitter. Criteria: ACMG Guidelines, 2015. Collection method: clinical testing. Allele origin: unknown.